The following is an entry in ClinVar:

NM_153717.3(EVC):c.*2708G>A

Gene: EVC (EvC ciliary complex subunit 1; plus strand). Cytogenetic location: 4p16.2.
Variant type: single nucleotide variant.
Coding change: c.*2708G>A on transcript NM_153717.3 (MANE Select); 2708 bases downstream of the stop codon, G replaced by A.
Molecular consequence: 3 prime UTR variant.
Genome position (GRCh38, 1-based): chr4:5,813,745, G>A. VCF-style: chr4-5813745-G-A. GRCh37 (hg19) VCF-style: chr4-5815472-G-A.
Other names: c.*2708G>A (NM_001306090.2).
Identifiers: ClinVar variation 349279 (VCV000349279.5), dbSNP rs79112570, ClinGen allele CA10621424.

ClinVar aggregate classification (germline): Benign (1 of 4 stars; one submission).

Conditions:
Ellis-van Creveld syndrome (EVC). Also called: EVC-Related Ellis-van Creveld Syndrome; EVC2-Related Ellis-van Creveld Syndrome; MESOECTODERMAL DYSPLASIA; Chondroectodermal dysplasia. Identifiers: Orphanet 289, MedGen C0013903, MONDO:0009162, OMIM 225500.

Allele frequency attached by ClinVar (database versions not stated): gnomAD 0.00395 and 0.00424; 1000 Genomes Project 0.00419; 1000 Genomes Project 30x 0.00422; TOPMed 0.00434.

Submission:

Illumina Laboratory Services, Illumina
Classification: Benign for Ellis-van Creveld syndrome. Last evaluated: 2018-01-13. Review status: criteria provided, single submitter. Criteria: ICSL Variant Classification Criteria 13 December 2019. Collection method: clinical testing. Allele origin: germline.
Comment: This variant was observed in the ICSL laboratory as part of a predisposition screen in an ostensibly healthy population. It had not been previously curated by ICSL or reported in the Human Gene Mutation Database (HGMD: prior to June 1st, 2018), and was therefore a candidate for classification through an automated scoring system. Utilizing variant allele frequency, disease prevalence and penetrance estimates, and inheritance mode, an automated score was calculated to assess if this variant is too frequent to cause the disease. Based on the score and internal cut-off values, a variant classified as benign is not then subjected to further curation. The score for this variant resulted in a classification of benign for this disease.